The following is an entry in ClinVar:

NM_000548.5(TSC2):c.1691T>A (p.Val564Asp)

Gene: TSC2 (TSC complex subunit 2; plus strand). Cytogenetic location: 16p13.3.
Variant type: single nucleotide variant.
Coding change: c.1691T>A on transcript NM_000548.5 (MANE Select); coding-DNA position 1691, T replaced by A.
Protein change: p.Val564Asp; replaces valine 564 with aspartic acid.
Molecular consequence: missense variant. On other transcripts: non-coding transcript variant (5).
Genome position (GRCh38, 1-based): chr16:2,065,610, T>A. VCF-style: chr16-2065610-T-A. GRCh37 (hg19) VCF-style: chr16-2115611-T-A.
Other names: c.1229T>A, p.Val410Asp (NM_001406681.1); c.1091T>A, p.Val364Asp (NM_001406682.1, NM_001406683.1, NM_001406684.1 and 6 more transcripts); c.347T>A, p.Val116Asp (NM_001406689.1, NM_001406690.1, NM_001406691.1 and 6 more transcripts); c.1691T>A, p.Val564Asp (NM_001077183.3, NM_001114382.3, NM_001363528.2 and 6 more transcripts); c.1580T>A, p.Val527Asp (NM_001318827.2, NM_001406670.1, NM_001406678.1); c.1544T>A, p.Val515Asp (NM_001318829.2, NM_001406675.1, NM_001406676.1 and 1 more transcripts); c.1724T>A, p.Val575Asp (NM_001318832.2); c.1781T>A, p.Val594Asp (NM_001406667.1, NM_001406668.1); and 3 more; short protein forms V116D, V30D, V364D, V410D, V515D, V527D, V545D, V560D.
Identifiers: ClinVar variation 4802854 (VCV004802854.1).
Genomic context (GRCh38, chr16:2,065,610, plus strand): 5'-AGCTGGAAGAAAGGGATGTGGCCGCATACTCGGCCTCCTTGGAGGATGTGAAGACAGCCG[T>A]CCTGGGGCTTCTGGTCATCCTTCAGGTGGGTGTTCTGCACGAGGCCTCTGCTCCCGGGGC-3'
Protein context (NP_000539.2, residues 554-574): SASLEDVKTA[Val564Asp]LGLLVILQTK

ClinVar aggregate classification (germline): Uncertain significance (1 of 4 stars; one submission).

Conditions:
Tuberous sclerosis 2 (TSC2). Identifiers: Orphanet 805, MedGen C1860707, MONDO:0013199, OMIM 613254.

Submission:

Labcorp Genetics (formerly Invitae), Labcorp
Classification: Uncertain significance for Tuberous sclerosis 2. Last evaluated: 2025-02-12. Review status: criteria provided, single submitter. Criteria: Invitae Variant Classification Sherloc (09022015). Collection method: clinical testing. Allele origin: germline.
Comment: This sequence change replaces valine, which is neutral and non-polar, with aspartic acid, which is acidic and polar, at codon 564 of the TSC2 protein (p.Val564Asp). This variant is not present in population databases (gnomAD no frequency). This variant has not been reported in the literature in individuals affected with TSC2-related conditions. Invitae Evidence Modeling of protein sequence and biophysical properties (such as structural, functional, and spatial information, amino acid conservation, physicochemical variation, residue mobility, and thermodynamic stability) has been performed for this missense variant. However, the output from this modeling did not meet the statistical confidence thresholds required to predict the impact of this variant on TSC2 protein function. In summary, the available evidence is currently insufficient to determine the role of this variant in disease. Therefore, it has been classified as a Variant of Uncertain Significance.